The following is an entry in ClinVar:

ClinVar aggregate classification (germline): Benign. Review status: criteria provided, multiple submitters, no conflicts (2 of 4 stars). 5 submissions from 4 submitters: Benign (5). Last evaluated 2021-07-01.

Conditions:
Muscular dystrophy, limb-girdle, autosomal dominant 4. Also called: Calpain-3-related limb-girdle muscular dystrophy D4; MUSCULAR DYSTROPHY, LIMB-GIRDLE, TYPE 1I. Identifiers: Orphanet 565909, MedGen C4748295, MONDO:0029133, OMIM 618129.
Autosomal recessive limb-girdle muscular dystrophy type 2A (LGMDR1). Also called: Muscular dystrophy, limb-girdle, type 2A, Amish; LEYDEN-MOEBIUS MUSCULAR DYSTROPHY; MUSCULAR DYSTROPHY, PELVOFEMORAL; Limb-girdle muscular dystrophy, type 2A; Calpainopathy. Identifiers: Orphanet 267, MedGen C1869123, MONDO:0009675, OMIM 253600. Disease mechanism: loss of function.

Allele frequency attached by ClinVar (database versions not stated): ExAC 0.01828; gnomAD 0.04213 and 0.04397; TOPMed 0.04630; ESP Exome Variant Server 0.04699; 1000 Genomes Project 0.05391; 1000 Genomes Project 30x 0.05684.
gnomAD v4.1: 16,633 of 1,440,688 alleles (1.2%); highest among the groups gnomAD compares: African/African-American, 13%; 739 homozygotes.

Submissions (5):

Genome-Nilou Lab
Classification: Benign for Muscular dystrophy, limb-girdle, autosomal dominant 4. Last evaluated: 2021-07-01. Review status: criteria provided, single submitter. Criteria: ACMG Guidelines, 2015. Collection method: clinical testing. Allele origin: germline. Affected: no.

Genome-Nilou Lab
Classification: Benign for Autosomal recessive limb-girdle muscular dystrophy type 2A. Last evaluated: 2021-07-01. Review status: criteria provided, single submitter. Criteria: ACMG Guidelines, 2015. Collection method: clinical testing. Allele origin: germline. Affected: no.

GeneDx
Classification: Benign. Last evaluated: 2018-06-18. Review status: criteria provided, single submitter. Criteria: GeneDx Variant Classification (06012015). Collection method: clinical testing. Allele origin: germline. Affected: yes.
Comment: This variant is considered likely benign or benign based on one or more of the following criteria: it is a conservative change, it occurs at a poorly conserved position in the protein, it is predicted to be benign by multiple in silico algorithms, and/or has population frequency not consistent with disease.

Breakthrough Genomics
Classification: Benign. Review status: criteria provided, single submitter. Criteria: ACMG Guidelines, 2015. Collection method: not provided. Allele origin: germline. Inheritance: Autosomal recessive inheritance. Affected: yes.

PreventionGenetics, part of Exact Sciences
Classification: Benign. Review status: criteria provided, single submitter. Criteria: ACMG Guidelines, 2015. Collection method: clinical testing. Allele origin: germline.

NM_000070.3(CAPN3):c.498+35G>T

Genes: CAPN3 (calpain 3; plus strand), LOC126862115 (BRD4-independent group 4 enhancer GRCh37_chr15:42677734-42678933; plus strand). Cytogenetic location: 15q15.1.
Variant type: single nucleotide variant.
Coding change: c.498+35G>T on transcript NM_000070.3 (MANE Select); 35 bases into the intron after coding-DNA position 498, G replaced by T.
Molecular consequence: intron variant.
Genome position (GRCh38, 1-based): chr15:42,386,320, G>T. VCF-style: chr15-42386320-G-T. GRCh37 (hg19) VCF-style: chr15-42678518-G-T.
Other names: c.498+35G>T (NM_024344.2, NM_173087.2).
Identifiers: ClinVar variation 254874 (VCV000254874.6), dbSNP rs28364399, ClinGen allele CA7511036.